The following is an entry in ClinVar:

NM_001277285.4(IGSF9B):c.2454G>A (p.Ser818=)

Gene: IGSF9B (immunoglobulin superfamily member 9B; minus strand). Cytogenetic location: 11q25.
Variant type: single nucleotide variant.
Coding change: c.2454G>A on transcript NM_001277285.4 (MANE Select); coding-DNA position 2454, G replaced by A.
Protein change: p.Ser818=; no amino-acid change (serine 818 retained).
Molecular consequence: synonymous variant.
Genome position (GRCh38, 1-based): chr11:133,921,271, C>T on the plus strand (G>A on the coding strand, the complement: IGSF9B is on the minus strand). VCF-style: chr11-133921271-C-T. GRCh37 (hg19) VCF-style: chr11-133791166-C-T.
Identifiers: ClinVar variation 2642551 (VCV002642551.24), dbSNP rs150544201, ClinGen allele CA6369007.

ClinVar aggregate classification (germline): Likely benign (1 of 4 stars; one submission).

Allele frequency attached by ClinVar (database versions not stated): 1000 Genomes Project 0.00220; 1000 Genomes Project 30x 0.00234; TOPMed 0.00400; ExAC 0.00440; gnomAD 0.00472; ESP Exome Variant Server 0.00571; gnomAD exomes 0.00645.
gnomAD v4.1: 9,981 of 1,611,166 alleles (0.62%); highest among the groups gnomAD compares: Non-Finnish European, 0.75%; 42 homozygotes.

Submission:

CeGaT Center for Human Genetics Tuebingen
Classification: Likely benign. Last evaluated: 2022-10-01. Review status: criteria provided, single submitter. Criteria: CeGaT Center For Human Genetics Tuebingen Variant Classification Criteria Version 2. Collection method: clinical testing. Allele origin: germline. Affected: yes. Observed: 2 variant alleles.
Comment: IGSF9B: BP4, BP7